The following is an entry in ClinVar:

NM_000540.3(RYR1):c.9862G>A (p.Gly3288Arg)

Gene: RYR1 (ryanodine receptor 1; plus strand). Cytogenetic location: 19q13.2.
Variant type: single nucleotide variant.
Coding change: c.9862G>A on transcript NM_000540.3 (MANE Select); coding-DNA position 9862, G replaced by A.
Protein change: p.Gly3288Arg; replaces glycine 3288 with arginine.
Molecular consequence: missense variant.
Genome position (GRCh38, 1-based): chr19:38,517,535, G>A. VCF-style: chr19-38517535-G-A. GRCh37 (hg19) VCF-style: chr19-39008175-G-A.
Other names: c.9862G>A, p.Gly3288Arg (NM_001042723.2); c.9862G>A (NM_000540.2); short protein forms G3288R.
Identifiers: ClinVar variation 1385697 (VCV001385697.22), dbSNP rs769054388, ClinGen allele CA074252.
Genomic context (GRCh38, chr19:38,517,535, plus strand): 5'-CATGTCATCGAGATCACGCTGCCCATGCTATGCAGCTACCTGCCCCGATGGTGGGAGCGC[G>A]GGCCCGAGGCACCCCCTTCCGCCCTGCCCGCCGGCGCCCCCCCACCCTGCACAGCTGTCA-3'
Protein context (NP_000531.2, residues 3278-3298): CSYLPRWWER[Gly3288Arg]PEAPPSALPA

ClinVar aggregate classification (germline): Conflicting classifications of pathogenicity. Review status: criteria provided, conflicting classifications (1 of 4 stars). 6 submissions from 6 submitters: Likely pathogenic (1); Uncertain significance (5). Last evaluated 2026-08-07.

Conditions:
RYR1-related disorder. Also called: RYR1-related condition; RYR1-related disorders. Identifiers: MedGen CN239331.
Congenital multicore myopathy with external ophthalmoplegia (CMYO1B). Also called: MULTIMINICORE DISEASE WITH EXTERNAL OPHTHALMOPLEGIA; MULTICORE MYOPATHY; Minicore myopathy with external ophthalmoplegia; Congenital myopathy 1B, autosomal recessive; Minicore myopathy. Identifiers: Orphanet 598, Orphanet 98905, MedGen C1850674, MONDO:0009712, OMIM 255320, HP:0003789.
Malignant hyperthermia, susceptibility to, 1 (MHS1). Also called: RYR1-Related Malignant Hyperthermia Susceptibility; Anesthesia related hyperthermia; Malignant hyperpyrexia; Fulminating hyperpyrexia; Pharmacogenic myopathy; Malignant hyperthermia suceptibility 1. Identifiers: Orphanet 423, MedGen C2930980, MONDO:0007783, OMIM 145600.

Allele frequency attached by ClinVar (database versions not stated): ExAC 0.00001; gnomAD exomes 0.00002 and 0.00003; TOPMed 0.00002.
gnomAD v4.1: 31 of 1,613,868 alleles (0.0019%); highest among the groups gnomAD compares: East Asian, 0.02%; no homozygotes.

Submissions (6):

GeneDx
Classification: Uncertain significance. Last evaluated: 2026-08-07. Review status: criteria provided, single submitter. Criteria: GeneDx Variant Classification Process June 2021. Collection method: clinical testing. Allele origin: germline.
Comment: In silico analysis supports that this missense variant has a deleterious effect on protein structure/function; Has not been previously published as pathogenic or benign to our knowledge

CeGaT Center for Human Genetics Tuebingen
Classification: Uncertain significance. Last evaluated: 2026-06-01. Review status: criteria provided, single submitter. Criteria: CeGaT Center For Human Genetics Tuebingen Variant Classification Criteria Version 2. Collection method: clinical testing. Allele origin: germline. Affected: yes. Observed: 2 variant alleles.
Comment: RYR1: PM2, PP3

Laboratory Cellgenetics, GMDL Cellgenetics
Classification: Likely pathogenic for Congenital multicore myopathy with external ophthalmoplegia. Last evaluated: 2026-04-24. Review status: criteria provided, single submitter. Criteria: ACMG Guidelines, 2015. Collection method: clinical testing. Allele origin: paternal. Inheritance: Autosomal recessive inheritance. Affected: yes. Observed: 1 variant allele, 1 compound heterozygote.
Comment: PS4_Supporting, PM2, PP2, PP3, PM3

Women's Health and Genetics/Laboratory Corporation of America, LabCorp
Classification: Uncertain significance. Last evaluated: 2025-11-19. Review status: criteria provided, single submitter. Criteria: LabCorp Variant Classification Summary - May 2015. Collection method: clinical testing. Allele origin: germline.
Comment: Variant summary: RYR1 c.9862G>A (p.Gly3288Arg) results in a non-conservative amino acid change in the encoded protein sequence. Algorithms developed to predict the effect of missense changes on protein structure and function all suggest that this variant is likely to be disruptive. The variant allele was found at a frequency of 2.8e-05 in 248688 control chromosomes. The available data on variant occurrences in the general population are insufficient to allow any conclusion about variant significance. To our knowledge, no occurrence of c.9862G>A in individuals affected with RYR1-related conditions and no experimental evidence demonstrating its impact on protein function have been reported. ClinVar contains an entry for this variant (Variation ID: 1385697). Based on the evidence outlined above, the variant was classified as uncertain significance.

Color Diagnostics, LLC DBA Color Health
Classification: Uncertain significance for Malignant hyperthermia, susceptibility to, 1. Last evaluated: 2025-11-17. Review status: criteria provided, single submitter. Criteria: ACMG Guidelines, 2015. Collection method: clinical testing. Allele origin: germline.
Comment: This missense variant replaces glycine with arginine at codon 3288 of the RYR1 protein. Computational prediction suggests that this variant may have deleterious impact on protein structure and function. To our knowledge, functional studies have not been reported for this variant. This variant has not been reported in individuals affected with RYR1-related disorders in the literature. This variant has been identified in 7/248688 chromosomes in the general population by the Genome Aggregation Database (gnomAD). The available evidence is insufficient to determine the role of this variant in disease conclusively. Therefore, this variant is classified as a Variant of Uncertain Significance.

Labcorp Genetics (formerly Invitae), Labcorp
Classification: Uncertain significance for RYR1-related disorder. Last evaluated: 2024-10-15. Review status: criteria provided, single submitter. Criteria: Invitae Variant Classification Sherloc (09022015). Collection method: clinical testing. Allele origin: germline.
Comment: This sequence change replaces glycine, which is neutral and non-polar, with arginine, which is basic and polar, at codon 3288 of the RYR1 protein (p.Gly3288Arg). This variant is present in population databases (rs769054388, gnomAD 0.02%). This variant has not been reported in the literature in individuals affected with RYR1-related conditions. ClinVar contains an entry for this variant (Variation ID: 1385697). Invitae Evidence Modeling of protein sequence and biophysical properties (such as structural, functional, and spatial information, amino acid conservation, physicochemical variation, residue mobility, and thermodynamic stability) indicates that this missense variant is expected to disrupt RYR1 protein function with a positive predictive value of 80%. In summary, the available evidence is currently insufficient to determine the role of this variant in disease. Therefore, it has been classified as a Variant of Uncertain Significance.